The following is an entry in ClinVar:

ClinVar aggregate classification (germline): Conflicting classifications of pathogenicity. Review status: criteria provided, conflicting classifications (1 of 4 stars). 6 submissions from 6 submitters: Uncertain significance (5); Likely benign (1). Last evaluated 2025-08-28.

Conditions:
Hereditary nonpolyposis colorectal neoplasms. Identifiers: MedGen C0009405, MeSH D003123.
Lynch syndrome. Identifiers: Orphanet 144, MedGen C4552100, MONDO:0005835. Disease mechanism: loss of function.
Hereditary cancer-predisposing syndrome. Also called: Tumor predisposition; Hereditary neoplastic syndrome; Neoplastic Syndromes, Hereditary; Hereditary Cancer Syndrome. Identifiers: Orphanet 140162, MedGen C0027672, MeSH D009386, MONDO:0015356.

Allele frequency attached by ClinVar (database versions not stated): gnomAD exomes below 0.00001.
gnomAD v4.1: 1 of 1,614,176 alleles (0.000062%); highest among the groups gnomAD compares: Admixed American, 0.0017%; no homozygotes.

Submissions (6):

Labcorp Genetics (formerly Invitae), Labcorp
Classification: Likely benign for Hereditary nonpolyposis colorectal neoplasms. Last evaluated: 2025-08-28. Review status: criteria provided, single submitter. Criteria: Invitae Variant Classification Sherloc (09022015). Collection method: clinical testing. Allele origin: germline.

Quest Diagnostics Nichols Institute San Juan Capistrano
Classification: Uncertain significance. Last evaluated: 2025-07-09. Review status: criteria provided, single submitter. Criteria: Quest Diagnostics criteria. Collection method: clinical testing. Allele origin: unknown.
Comment: The MSH6 c.1181C>G (p.Ser394Cys) variant has not been reported in individuals with MSH6-related conditions in the published literature. The frequency of this variant in the general population (Genome Aggregation Database) is uninformative in the assessment of its pathogenicity. Analysis of this variant using bioinformatics tools for the prediction of the effect of amino acid changes on protein structure and function yielded predictions that this variant is benign. Based on the available information, we are unable to determine the clinical significance of this variant.

Ambry Genetics
Classification: Uncertain significance for Hereditary cancer-predisposing syndrome. Last evaluated: 2024-08-09. Review status: criteria provided, single submitter. Criteria: Ambry Variant Classification Scheme 2023. Collection method: clinical testing. Allele origin: germline.
Comment: The p.S394C variant (also known as c.1181C>G), located in coding exon 4 of the MSH6 gene, results from a C to G substitution at nucleotide position 1181. The serine at codon 394 is replaced by cysteine, an amino acid with dissimilar properties. This amino acid position is not well conserved in available vertebrate species. In addition, this alteration is predicted to be tolerated by in silico analysis. Since supporting evidence is limited at this time, the clinical significance of this alteration remains unclear.

All of Us Research Program, National Institutes of Health
Classification: Uncertain significance for Lynch syndrome. Last evaluated: 2024-05-14. Review status: criteria provided, single submitter. Criteria: ACMG Guidelines, 2015. Collection method: clinical testing. Allele origin: germline. Inheritance: Autosomal dominant inheritance. Observed: 1 variant allele, 1 heterozygote.
Comment: This missense variant replaces serine with cysteine at codon 394 of the MSH6 protein. Computational prediction suggests that this variant may not impact protein structure and function (internally defined REVEL score threshold <= 0.5, PMID: 27666373). To our knowledge, functional studies have not been reported for this variant. This variant has not been reported in individuals affected with MSH6-related disorders in the literature. This variant has been identified in 1/251110 chromosomes in the general population by the Genome Aggregation Database (gnomAD). The available evidence is insufficient to determine the role of this variant in disease conclusively. Therefore, this variant is classified as a Variant of Uncertain Significance.

This study involves interpretation of variants in research participants for the purpose of population health screening. Participant phenotype was not available at the time of variant classification. Additional details can be found in publication PMID: 35346344, PMCID: PMC8962531

Color Diagnostics, LLC DBA Color Health
Classification: Uncertain significance for Hereditary cancer-predisposing syndrome. Last evaluated: 2024-04-25. Review status: criteria provided, single submitter. Criteria: ACMG Guidelines, 2015. Collection method: clinical testing. Allele origin: germline.
Comment: This missense variant replaces serine with cysteine at codon 394 of the MSH6 protein. Computational prediction suggests that this variant may not impact protein structure and function (internally defined REVEL score threshold <= 0.5, PMID: 27666373). To our knowledge, functional studies have not been reported for this variant. This variant has not been reported in individuals affected with MSH6-related disorders in the literature. This variant has been identified in 1/251110 chromosomes in the general population by the Genome Aggregation Database (gnomAD). The available evidence is insufficient to determine the role of this variant in disease conclusively. Therefore, this variant is classified as a Variant of Uncertain Significance.

Genetic Services Laboratory, University of Chicago
Classification: Uncertain significance. Last evaluated: 2020-08-31. Review status: criteria provided, single submitter. Criteria: ACMG Guidelines, 2015. Collection method: clinical testing. Allele origin: germline. Affected: no.
Comment: DNA sequence analysis of the MSH6 gene demonstrated a sequence change, c.1181C>G, in exon 4 that results in an amino acid change, p.Ser394Cys. This sequence change does not appear to have been previously described in patients with MSH6-related disorders and has been described in one heterozygous individual in the gnomAD database which corresponds to a low population frequency of 0.00040% (dbSNP rs1410933611). The p.Ser394Cys change affects a poorly conserved amino acid residue located in a domain of the MSH6 protein that is known to be functional. The p.Ser394Cys substitution appears to be benign using several in-silico pathogenicity prediction tools (SIFT, PolyPhen2, Align GVGD, REVEL). Due to these contrasting evidences and the lack of functional studies, the clinical significance of the p.Ser394Cys change remains unknown at this time.

NM_000179.3(MSH6):c.1181C>G (p.Ser394Cys)

Gene: MSH6 (mutS homolog 6; plus strand). Cytogenetic location: 2p16.3.
Variant type: single nucleotide variant.
Coding change: c.1181C>G on transcript NM_000179.3 (MANE Select); coding-DNA position 1181, C replaced by G.
Protein change: p.Ser394Cys; replaces serine 394 with cysteine.
Molecular consequence: missense variant.
Genome position (GRCh38, 1-based): chr2:47,799,164, C>G. VCF-style: chr2-47799164-C-G. GRCh37 (hg19) VCF-style: chr2-48026303-C-G.
Other names: c.791C>G, p.Ser264Cys (NM_001281492.2); c.275C>G, p.Ser92Cys (NM_001281493.2, NM_001281494.2); short protein forms S264C, S92C, S394C.
Identifiers: ClinVar variation 818513 (VCV000818513.24), dbSNP rs1410933611, ClinGen allele CA346742378.